The following is an entry in ClinVar:

ClinVar aggregate classification (germline): Uncertain significance. Review status: criteria provided, multiple submitters, no conflicts (2 of 4 stars). 2 submissions from 2 submitters: Uncertain significance (2).

Conditions:
Nephronophthisis 11 (NPHP11). Identifiers: Orphanet 84081, MedGen C3150796, MONDO:0013302, OMIM 613550.

Submissions (2):

Breakthrough Genomics
Classification: Uncertain significance. Review status: criteria provided, single submitter. Criteria: ACMG Guidelines, 2015. Collection method: not provided. Allele origin: germline. Inheritance: Autosomal recessive inheritance. Affected: yes.

Precision Medicine Center, Zhengzhou University
Classification: Uncertain significance for Nephronophthisis 11. Review status: criteria provided, single submitter. Criteria: ACMG Guidelines, 2015. Collection method: research. Allele origin: germline. Affected: yes.
Comment: PM2:not found in gnomAD

NM_153704.6(TMEM67):c.224-3del

Gene: TMEM67 (transmembrane protein 67; plus strand). Cytogenetic location: 8q22.1.
Variant type: Deletion.
Coding change: c.224-3del on transcript NM_153704.6 (MANE Select); 3 bases into the intron before coding-DNA position 224, one base deleted (T; older notation c.224-3delT).
Molecular consequence: intron variant.
Genome position (GRCh38, 1-based): chr8:93,755,775, T deleted; the last of 24 consecutive T bases (chr8:93,755,752-93,755,775); deleting any one gives the same sequence. VCF-style (leftmost placement, unchanged base first): chr8-93755751-CT-C. GRCh37 (hg19) VCF-style: chr8-94767979-CT-C.
Other names: c.-62+638del (NM_001142301.1).
Identifiers: ClinVar variation 1077041 (VCV001077041.2), dbSNP rs587779735, ClinGen allele CA4807550.